The following is an entry in ClinVar:

NM_014055.4(IFT81):c.1189-2A>G

Gene: IFT81 (intraflagellar transport 81; plus strand). Cytogenetic location: 12q24.11.
Variant type: single nucleotide variant.
Coding change: c.1189-2A>G on transcript NM_014055.4 (MANE Select); the canonical splice acceptor site of the intron before coding-DNA position 1189, A replaced by G.
Molecular consequence: splice acceptor variant.
Genome position (GRCh38, 1-based): chr12:110,180,420, A>G. VCF-style: chr12-110180420-A-G. GRCh37 (hg19) VCF-style: chr12-110618225-A-G.
Other names: c.259-2A>G (NM_001347948.2, NM_001347947.2); c.1189-2A>G (NM_001143779.2).
Identifiers: ClinVar variation 2828803 (VCV002828803.3), dbSNP rs1365439707, ClinGen allele CA386916665.
Genomic context (GRCh38, chr12:110,180,420, plus strand): 5'-ATGTATGATATTTAGCTACTACTTTTCTACTCATTAGATTACATATTGTGTTTTTTTTAC[A>G]GTTCAAACGATATGTCAATAAACTTCGAAGCAAGAGTACAGTTTTCAAAAAGAAGCATCA-3'

ClinVar aggregate classification (germline): Likely pathogenic (1 of 4 stars; one submission).

Submission:

Labcorp Genetics (formerly Invitae), Labcorp
Classification: Likely pathogenic. Last evaluated: 2023-07-22. Review status: criteria provided, single submitter. Criteria: Invitae Variant Classification Sherloc (09022015). Collection method: clinical testing. Allele origin: germline.
Comment: In summary, the currently available evidence indicates that the variant is pathogenic, but additional data are needed to prove that conclusively. Therefore, this variant has been classified as Likely Pathogenic. Algorithms developed to predict the effect of sequence changes on RNA splicing suggest that this variant may disrupt the consensus splice site. This variant has not been reported in the literature in individuals affected with IFT81-related conditions. This variant is not present in population databases (gnomAD no frequency). This sequence change affects an acceptor splice site in intron 11 of the IFT81 gene. It is expected to disrupt RNA splicing. Variants that disrupt the donor or acceptor splice site typically lead to a loss of protein function (PMID: 16199547), and loss-of-function variants in IFT81 are known to be pathogenic (PMID: 26275418, 27666822).

Literature cited by the submitters: PubMed 16199547; PubMed 26275418; PubMed 27666822.